The following is an entry in ClinVar:

NM_198904.4(GABRG2):c.631+1283G>T

Gene: GABRG2 (gamma-aminobutyric acid type A receptor subunit gamma2; plus strand). Cytogenetic location: 5q34.
Variant type: single nucleotide variant.
Coding change: c.631+1283G>T on transcript NM_198904.4 (MANE Select); 1283 bases into the intron after coding-DNA position 631, G replaced by T.
Molecular consequence: intron variant. On other transcripts: synonymous variant (2).
Genome position (GRCh38, 1-based): chr5:162,102,600, G>T. VCF-style: chr5-162102600-G-T. GRCh37 (hg19) VCF-style: chr5-161529606-G-T.
Other names: c.678G>T, p.Ser226= (NM_001375343.1, NM_198903.2); c.346+1283G>T (NM_001375349.1); c.631+1283G>T (NM_001375344.1, NM_001375340.1, NM_001375341.1 and 2 more transcripts); c.211+1283G>T (NM_001375350.1, NM_001375348.1); c.622+1283G>T (NM_001375339.1); c.565+1283G>T (NM_001375346.1, NM_001375345.1); c.544+1283G>T (NM_001375347.1).
Identifiers: ClinVar variation 2571240 (VCV002571240.27), dbSNP rs143065876, ClinGen allele CA3544781.

ClinVar aggregate classification (germline): Likely benign (1 of 4 stars; one submission).

Allele frequency attached by ClinVar (database versions not stated): 1000 Genomes Project 30x 0.00031.
gnomAD v4.1: 130 of 453,434 alleles (0.029%); highest among the groups gnomAD compares: African/African-American, 0.23%; no homozygotes.

Submission:

CeGaT Center for Human Genetics Tuebingen
Classification: Likely benign. Last evaluated: 2023-06-01. Review status: criteria provided, single submitter. Criteria: CeGaT Center For Human Genetics Tuebingen Variant Classification Criteria Version 2. Collection method: clinical testing. Allele origin: germline. Affected: yes. Observed: 1 variant allele.
Comment: GABRG2: BP4, BP7, BS1